The following is an entry in ClinVar:

NM_000540.3(RYR1):c.13931T>C (p.Leu4644Pro)

Gene: RYR1 (ryanodine receptor 1; plus strand). Cytogenetic location: 19q13.2.
Variant type: single nucleotide variant.
Coding change: c.13931T>C on transcript NM_000540.3 (MANE Select); coding-DNA position 13931, T replaced by C.
Protein change: p.Leu4644Pro; replaces leucine 4644 with proline.
Molecular consequence: missense variant.
Genome position (GRCh38, 1-based): chr19:38,572,203, T>C. VCF-style: chr19-38572203-T-C. GRCh37 (hg19) VCF-style: chr19-39062843-T-C.
Other names: c.13916T>C, p.Leu4639Pro (NM_001042723.2); short protein forms L4644P, L4639P.
Identifiers: ClinVar variation 570723 (VCV000570723.8), dbSNP rs1568594108, ClinGen allele CA405681183.

ClinVar aggregate classification (germline): Uncertain significance (1 of 4 stars; one submission).

Conditions:
RYR1-related disorder. Also called: RYR1-related disorders; RYR1-related condition. Identifiers: MedGen CN239331.

Submission:

Labcorp Genetics (formerly Invitae), Labcorp
Classification: Uncertain significance for RYR1-related disorder. Last evaluated: 2021-05-02. Review status: criteria provided, single submitter. Criteria: Invitae Variant Classification Sherloc (09022015). Collection method: clinical testing. Allele origin: germline.
Comment: This sequence change replaces leucine with proline at codon 4644 of the RYR1 protein (p.Leu4644Pro). The leucine residue is highly conserved and there is a moderate physicochemical difference between leucine and proline. This variant is not present in population databases (ExAC no frequency). This variant has not been reported in the literature in individuals with RYR1-related disease. This missense change is located in a region of the RYR1 protein where a significant number of previously reported RYR1 missense mutations are found (PMID: 16084090). These observations suggest that a previously unreported missense substitution within this region may affect protein function, but experiments have not been done to test this possibility. In summary, the available evidence is currently insufficient to determine the role of this variant in disease. Therefore, it has been classified as a Variant of Uncertain Significance.

Literature cited by the submitters: PubMed 16084090.